The following is an entry in ClinVar:

NM_014225.6(PPP2R1A):c.1166A>G (p.Asp389Gly)

Gene: PPP2R1A (protein phosphatase 2 scaffold subunit Aalpha; plus strand). Cytogenetic location: 19q13.41.
Variant type: single nucleotide variant.
Coding change: c.1166A>G on transcript NM_014225.6 (MANE Select); coding-DNA position 1166, A replaced by G.
Protein change: p.Asp389Gly; replaces aspartic acid 389 with glycine.
Molecular consequence: missense variant. On other transcripts: non-coding transcript variant (1).
Genome position (GRCh38, 1-based): chr19:52,219,728, A>G. VCF-style: chr19-52219728-A-G. GRCh37 (hg19) VCF-style: chr19-52722981-A-G.
Other names: c.629A>G, p.Asp210Gly (NM_001363656.2); short protein forms D210G, D389G.
Identifiers: ClinVar variation 3391463 (VCV003391463.1).
Genomic context (GRCh38, chr19:52,219,728, plus strand): 5'-GAATCCTTCTTTCCTCTCCTCAGTGCCCTGAGGTACGGCTGAACATCATCTCTAACCTGG[A>G]CTGTGTGAACGAGGTGATTGGCATCCGGCAGCTGTCCCAGTCCCTGCTCCCTGCCATTGT-3'
Protein context (NP_055040.2, residues 379-399): EVRLNIISNL[Asp389Gly]CVNEVIGIRQ

ClinVar aggregate classification (germline): Uncertain significance (1 of 4 stars; one submission).

Submission:

GeneDx
Classification: Uncertain significance. Last evaluated: 2024-06-21. Review status: criteria provided, single submitter. Criteria: GeneDx Variant Classification Process June 2021. Collection method: clinical testing. Allele origin: germline. Affected: yes.
Comment: Not observed at significant frequency in large population cohorts (gnomAD); In silico analysis supports that this missense variant has a deleterious effect on protein structure/function; Has not been previously published as pathogenic or benign to our knowledge